The following is an entry in ClinVar:

ClinVar aggregate classification (germline): Uncertain significance (1 of 4 stars; one submission).

Submission:

GeneDx
Classification: Uncertain significance. Last evaluated: 2023-07-25. Review status: criteria provided, single submitter. Criteria: GeneDx Variant Classification Process June 2021. Collection method: clinical testing. Allele origin: germline. Affected: yes.
Comment: Not observed at significant frequency in large population cohorts (gnomAD); Missense variants in this gene are often considered pathogenic (HGMD); In silico analysis supports that this missense variant has a deleterious effect on protein structure/function; Has not been previously published as pathogenic or benign to our knowledge; This substitution is predicted to be within the extracellular loop between the S5 and S6 transmembrane segments of the first homologous domain

NM_001330260.2(SCN8A):c.1142G>A (p.Arg381Gln)

Gene: SCN8A (sodium voltage-gated channel alpha subunit 8; plus strand). Cytogenetic location: 12q13.13.
Variant type: single nucleotide variant.
Coding change: c.1142G>A on transcript NM_001330260.2 (MANE Select); coding-DNA position 1142, G replaced by A.
Protein change: p.Arg381Gln; replaces arginine 381 with glutamine.
Molecular consequence: missense variant.
Genome position (GRCh38, 1-based): chr12:51,705,424, G>A. VCF-style: chr12-51705424-G-A. GRCh37 (hg19) VCF-style: chr12-52099208-G-A.
Other names: c.1142G>A, p.Arg381Gln (NM_001177984.3, NM_001369788.1, NM_014191.4); short protein forms R381Q.
Identifiers: ClinVar variation 3361653 (VCV003361653.1).
Genomic context (GRCh38, chr12:51,705,424, plus strand): 5'-CAGCCCGGTTCATTTGGTACAAGTGACTCAGAAAATGGCCTTTGTCTTTGCAGACTTTAC[G>A]AGCAGCCGGGAAAACATACATGATCTTCTTCGTCTTGGTCATCTTTGTGGGTTCTTTCTA-3'
Protein context (NP_001317189.1, residues 371-391): YWENLYQLTL[Arg381Gln]AAGKTYMIFF